The following is an entry in ClinVar:

ClinVar aggregate classification (germline): Uncertain significance (1 of 4 stars; one submission).

Submission:

Women's Health and Genetics/Laboratory Corporation of America, LabCorp
Classification: Uncertain significance. Last evaluated: 2023-07-12. Review status: criteria provided, single submitter. Criteria: LabCorp Variant Classification Summary - May 2015. Collection method: clinical testing. Allele origin: germline.
Comment: Variant summary: PLEKHG2 c.1899delC (p.Ile635PhefsX155) results in a premature termination codon, predicted to cause a truncation of the encoded protein or absence of the protein due to nonsense mediated decay. However, current evidence is not sufficient to establish whether loss-of-function variants in the PLEKHG2 gene cause disease. The variant was absent in 251270 control chromosomes (gnomAD). To our knowledge, no occurrence of c.1899delC in individuals affected with Leukodystrophy and Acquired Microcephaly with or without Dystonia and no experimental evidence demonstrating its impact on protein function have been reported. No submitters have cited clinical-significance assessments for this variant to ClinVar after 2014. Based on the evidence outlined above, the variant was classified as uncertain significance.

NM_022835.3(PLEKHG2):c.1899del (p.Ile635fs)

Gene: PLEKHG2 (pleckstrin homology and RhoGEF domain containing G2; plus strand). Cytogenetic location: 19q13.2.
Variant type: Deletion.
Coding change: c.1899del on transcript NM_022835.3 (MANE Select); coding-DNA position 1899, one base deleted (C; older notation c.1899delC).
Protein change: p.Ile635fs; shifts the reading frame from isoleucine 635.
Molecular consequence: frameshift variant. On other transcripts: intron variant (1).
Genome position (GRCh38, 1-based): chr19:39,422,953, C deleted; the last of 2 consecutive C bases (chr19:39,422,952-39,422,953); deleting either gives the same sequence. VCF-style (leftmost placement, unchanged base first): chr19-39422951-AC-A. GRCh37 (hg19) VCF-style: chr19-39913591-AC-A.
Other names: c.1722del, p.Ile576fs (NM_001351693.2); c.1677+665del (NM_001351694.2); short protein forms I576fs, I635fs.
Identifiers: ClinVar variation 2577155 (VCV002577155.1), dbSNP rs2514456268, ClinGen allele CA2519406981.